The following is an entry in ClinVar:

NM_001374828.1(ARID1B):c.4965C>T (p.Ile1655=)

Gene: ARID1B (AT-rich interaction domain 1B; plus strand). Cytogenetic location: 6q25.3.
Variant type: single nucleotide variant.
Coding change: c.4965C>T on transcript NM_001374828.1 (MANE Select); coding-DNA position 4965, C replaced by T.
Protein change: p.Ile1655=; no amino-acid change (isoleucine 1655 retained).
Molecular consequence: synonymous variant.
Genome position (GRCh38, 1-based): chr6:157,201,190, C>T. VCF-style: chr6-157201190-C-T. GRCh37 (hg19) VCF-style: chr6-157522324-C-T.
Other names: c.2466C>T, p.Ile822= (NM_001363725.2); c.4845C>T, p.Ile1615= (NM_001371656.1, NM_001374820.1); c.4806C>T, p.Ile1602= (NM_017519.3); c.4596C>T, p.Ile1532= (NM_020732.3).
Identifiers: ClinVar variation 588545 (VCV000588545.42), dbSNP rs150010654, ClinGen allele CA4067738.

ClinVar aggregate classification (germline): Benign/Likely benign. Review status: criteria provided, multiple submitters, no conflicts (2 of 4 stars). 6 submissions from 6 submitters: Benign (3); Likely benign (3). Last evaluated 2026-04-01.

Conditions:
Coffin-Siris syndrome 1 (CSS1). Also called: Mental retardation, autosomal dominant 12; ARID1B-Related Coffin-Siris Syndrome. Identifiers: Orphanet 1465, MedGen C3281201, MONDO:0007617, OMIM 135900. Disease mechanism: gain of function.
Inborn genetic diseases. Identifiers: MedGen C0950123, MeSH D030342.

Allele frequency attached by ClinVar (database versions not stated): gnomAD exomes 0.00029 and 0.00082; ExAC 0.00110; 1000 Genomes Project 0.00220; 1000 Genomes Project 30x 0.00250; gnomAD 0.00307 and 0.00340; TOPMed 0.00334; ESP Exome Variant Server 0.00454.
gnomAD v4.1: 926 of 1,613,964 alleles (0.057%); highest among the groups gnomAD compares: African/African-American, 1.1%; 9 homozygotes.

Submissions (6):

CeGaT Center for Human Genetics Tuebingen
Classification: Likely benign. Last evaluated: 2026-04-01. Review status: criteria provided, single submitter. Criteria: CeGaT Center For Human Genetics Tuebingen Variant Classification Criteria Version 2. Collection method: clinical testing. Allele origin: germline. Affected: yes. Observed: 3 variant alleles.
Comment: ARID1B: BP4, BS1

Labcorp Genetics (formerly Invitae), Labcorp
Classification: Benign. Last evaluated: 2026-01-28. Review status: criteria provided, single submitter. Criteria: Invitae Variant Classification Sherloc (09022015). Collection method: clinical testing. Allele origin: germline.

Genome-Nilou Lab
Classification: Benign for Coffin-Siris syndrome 1. Last evaluated: 2021-07-15. Review status: criteria provided, single submitter. Criteria: ACMG Guidelines, 2015. Collection method: clinical testing. Allele origin: germline. Affected: no.

GeneDx
Classification: Likely benign. Last evaluated: 2020-07-14. Review status: criteria provided, single submitter. Criteria: GeneDx Variant Classification Process June 2021. Collection method: clinical testing. Allele origin: germline. Affected: yes.

Ambry Genetics
Classification: Benign for Inborn genetic diseases. Last evaluated: 2016-07-08. Review status: criteria provided, single submitter. Criteria: Ambry Variant Classification Scheme 2023. Collection method: clinical testing. Allele origin: germline.

Breakthrough Genomics
Classification: Likely benign. Review status: criteria provided, single submitter. Criteria: ACMG Guidelines, 2015. Collection method: not provided. Allele origin: germline. Inheritance: Autosomal dominant inheritance. Affected: yes.